The following is an entry in ClinVar:

NM_001458.5(FLNC):c.2550+4C>G

Gene: FLNC (filamin C; plus strand). Cytogenetic location: 7q32.1.
Variant type: single nucleotide variant.
Coding change: c.2550+4C>G on transcript NM_001458.5 (MANE Select); 4 bases into the intron after coding-DNA position 2550, C replaced by G.
Molecular consequence: intron variant.
Genome position (GRCh38, 1-based): chr7:128,842,958, C>G. VCF-style: chr7-128842958-C-G. GRCh37 (hg19) VCF-style: chr7-128483012-C-G.
Other names: c.2550+4C>G (NM_001127487.2).
Identifiers: ClinVar variation 1976170 (VCV001976170.5), dbSNP rs1316164536, ClinGen allele CA833139867.

ClinVar aggregate classification (germline): Uncertain significance (1 of 4 stars; one submission).

Conditions:
Myofibrillar myopathy 5. Also called: Filaminopathy (type); FILAMINOPATHY, AUTOSOMAL DOMINANT. Identifiers: Orphanet 171445, MedGen C1836050, MONDO:0012289, OMIM 609524.
Hypertrophic cardiomyopathy 26. Also called: Cardiomyopathy, familial hypertrophic, 26. Identifiers: Orphanet 75249, MedGen C4310749, MONDO:0014883, OMIM 617047.
Distal myopathy with posterior leg and anterior hand involvement. Also called: WILLIAMS DISTAL MYOPATHY. Identifiers: Orphanet 63273, MedGen C3279722, MONDO:0013550, OMIM 614065.

Allele frequency attached by ClinVar (database versions not stated): TOPMed below 0.00001; gnomAD 0.00001.
gnomAD v4.1: 1 of 1,613,700 alleles (0.000062%); highest among the groups gnomAD compares: Non-Finnish European, 0.000085%; no homozygotes.

Submission:

Labcorp Genetics (formerly Invitae), Labcorp
Classification: Uncertain significance for Distal myopathy with posterior leg and anterior hand involvement; Myofibrillar myopathy 5; Hypertrophic cardiomyopathy 26. Last evaluated: 2022-01-27. Review status: criteria provided, single submitter. Criteria: Invitae Variant Classification Sherloc (09022015). Collection method: clinical testing. Allele origin: germline.
Comment: In summary, the available evidence is currently insufficient to determine the role of this variant in disease. Therefore, it has been classified as a Variant of Uncertain Significance. Variants that disrupt the consensus splice site are a relatively common cause of aberrant splicing (PMID: 17576681, 9536098). Algorithms developed to predict the effect of sequence changes on RNA splicing suggest that this variant may disrupt the consensus splice site. This variant has not been reported in the literature in individuals affected with FLNC-related conditions. This variant is not present in population databases (gnomAD no frequency). This sequence change falls in intron 16 of the FLNC gene. It does not directly change the encoded amino acid sequence of the FLNC protein. It affects a nucleotide within the consensus splice site.

Literature cited by the submitters: PubMed 17576681; PubMed 9536098.